The following is an entry in ClinVar:

NM_018834.6(MATR3):c.403C>T (p.Pro135Ser)

Gene: MATR3 (matrin 3; plus strand). Cytogenetic location: 5q31.2.
Variant type: single nucleotide variant.
Coding change: c.403C>T on transcript NM_018834.6 (MANE Select); coding-DNA position 403, C replaced by T.
Protein change: p.Pro135Ser; replaces proline 135 with serine.
Molecular consequence: missense variant. On other transcripts: intron variant (11).
Genome position (GRCh38, 1-based): chr5:139,307,818, C>T. VCF-style: chr5-139307818-C-T. GRCh37 (hg19) VCF-style: chr5-138643507-C-T.
Other names: c.403C>T, p.Pro135Ser (NM_001194954.2, NM_001194955.2, NM_001400441.1 and 16 more transcripts); c.52-6857C>T (NM_001400459.1); c.-102-6857C>T (NM_001400463.1, NM_001400460.1, NM_001282278.2 and 3 more transcripts); c.-40-7879C>T (NM_001400462.1, NM_001400467.1); c.13-6857C>T (NM_001400461.1); c.49-6857C>T (NM_001194956.2); short protein forms P135S.
Identifiers: ClinVar variation 3349604 (VCV003349604.1).

ClinVar aggregate classification (germline): Uncertain significance (0 of 4 stars; one submission).

Conditions:
MATR3-related disorder. Also called: MATR3-related condition.

gnomAD v4.1: 3 of 1,614,064 alleles (0.00019%); highest among the groups gnomAD compares: Non-Finnish European, 0.00025%; no homozygotes.

Submission:

PreventionGenetics, part of Exact Sciences
Classification: Uncertain significance for MATR3-related condition. Last evaluated: 2024-02-01. Review status: no assertion criteria provided. Collection method: clinical testing. Allele origin: germline.
Comment: The MATR3 c.403C>T variant is predicted to result in the amino acid substitution p.Pro135Ser. To our knowledge, this variant has not been reported in the literature. This variant is reported in 0.0018% of alleles in individuals of European (Non-Finnish) descent in gnomAD. At this time, the clinical significance of this variant is uncertain due to the absence of conclusive functional and genetic evidence.